The following is an entry in ClinVar:

ClinVar aggregate classification (germline): Benign/Likely benign. Review status: criteria provided, multiple submitters, no conflicts (2 of 4 stars). 6 submissions from 6 submitters: Benign (4); Likely benign (2). Last evaluated 2026-01-20.

Conditions:
Autosomal dominant Parkinson disease 8. Also called: LRRK2-Related Parkinson Disease; Parkinson disease 8; Parkinson disease 8, susceptibility to. Identifiers: Orphanet 411602, MedGen C1846862, MONDO:0011764, OMIM 607060.

Allele frequency attached by ClinVar (database versions not stated): gnomAD exomes 0.00388; ExAC 0.00449; gnomAD 0.01450 and 0.01555; ESP Exome Variant Server 0.01476; 1000 Genomes Project 0.01558; 1000 Genomes Project 30x 0.01702; TOPMed 0.01743.
gnomAD v4.1: 4,561 of 1,608,496 alleles (0.28%); highest among the groups gnomAD compares: African/African-American, 4.9%; 93 homozygotes.

Submissions (6):

Labcorp Genetics (formerly Invitae), Labcorp
Classification: Benign for Autosomal dominant Parkinson disease 8. Last evaluated: 2026-01-20. Review status: criteria provided, single submitter. Criteria: Invitae Variant Classification Sherloc (09022015). Collection method: clinical testing. Allele origin: germline.

Mayo Clinic Laboratories, Mayo Clinic
Classification: Benign. Last evaluated: 2025-06-30. Review status: criteria provided, single submitter. Criteria: ACMG Guidelines, 2015. Collection method: clinical testing. Allele origin: germline. Observed: 1 variant allele.
Comment: BA1, BP4, BP7

Athena Diagnostics
Classification: Benign. Last evaluated: 2024-03-11. Review status: criteria provided, single submitter. Criteria: Athena Diagnostics Criteria. Collection method: clinical testing. Allele origin: unknown.

GeneDx
Classification: Likely benign. Last evaluated: 2020-02-06. Review status: criteria provided, single submitter. Criteria: GeneDx Variant Classification Process June 2021. Collection method: clinical testing. Allele origin: germline. Affected: yes.

Illumina Laboratory Services, Illumina
Classification: Benign for Autosomal dominant Parkinson disease 8. Last evaluated: 2018-01-12. Review status: criteria provided, single submitter. Criteria: ICSL Variant Classification Criteria 13 December 2019. Collection method: clinical testing. Allele origin: germline.
Comment: This variant was observed in the ICSL laboratory as part of a predisposition screen in an ostensibly healthy population. It had not been previously curated by ICSL or reported in the Human Gene Mutation Database (HGMD: prior to June 1st, 2018), and was therefore a candidate for classification through an automated scoring system. Utilizing variant allele frequency, disease prevalence and penetrance estimates, and inheritance mode, an automated score was calculated to assess if this variant is too frequent to cause the disease. Based on the score and internal cut-off values, a variant classified as benign is not then subjected to further curation. The score for this variant resulted in a classification of benign for this disease.

Breakthrough Genomics
Classification: Likely benign. Review status: criteria provided, single submitter. Criteria: ACMG Guidelines, 2015. Collection method: not provided. Allele origin: germline. Inheritance: Autosomal dominant inheritance. Affected: yes.

NM_198578.4(LRRK2):c.1182-4A>G

Gene: LRRK2 (leucine rich repeat kinase 2; plus strand). Cytogenetic location: 12q12.
Variant type: single nucleotide variant.
Coding change: c.1182-4A>G on transcript NM_198578.4 (MANE Select); 4 bases into the intron before coding-DNA position 1182, A replaced by G.
Molecular consequence: intron variant.
Genome position (GRCh38, 1-based): chr12:40,252,906, A>G. VCF-style: chr12-40252906-A-G. GRCh37 (hg19) VCF-style: chr12-40646708-A-G.
Other names: p.?.
Identifiers: ClinVar variation 308614 (VCV000308614.19), dbSNP rs7135747, ClinGen allele CA6513317.
Genomic context (GRCh38, chr12:40,252,906, plus strand): 5'-AAGTGAGAATTTGAGATAGTTATTTAAAAGATTACTACTAACATTTTGTTTGAATTTTTG[A>G]AAGTTTCCCAGCTCATAGGGAAGTGATGCTCTCCATGCTGATGCATTCTTCATCAAAGGA-3'